The following is an entry in ClinVar:

ClinVar aggregate classification (germline): Pathogenic. Review status: criteria provided, single submitter (1 of 4 stars). 3 submissions from 3 submitters: Pathogenic (1). 2 of the submissions do not count toward it. Last evaluated 2024-01-05.

Conditions:
Congenital myopathy 23 (CMYO23). Also called: NEMALINE MYOPATHY 4; Nemaline myopathy 4, autosomal dominant; CAP MYOPATHY 2. Identifiers: MedGen C1836447, MONDO:0012240, OMIM 609285.
Arthrogryposis, distal, type 1A. Also called: ARTHROGRYPOSIS MULTIPLEX CONGENITA, DISTAL, TYPE I. Identifiers: Orphanet 1146, MedGen C6022280, MONDO:0007157, OMIM 108120.

Submissions (3):

Labcorp Genetics (formerly Invitae), Labcorp
Classification: Pathogenic for Arthrogryposis, distal, type 1A. Last evaluated: 2024-01-05. Review status: criteria provided, single submitter. Criteria: Invitae Variant Classification Sherloc (09022015). Collection method: clinical testing. Allele origin: germline.
Comment: This sequence change replaces glutamic acid, which is acidic and polar, with lysine, which is basic and polar, at codon 41 of the TPM2 protein (p.Glu41Lys). This variant is not present in population databases (gnomAD no frequency). This missense change has been observed in individuals with clinical features of autosomal dominant TPM2-related conditions (PMID: 17846275, 24692096). It has also been observed to segregate with disease in related individuals. ClinVar contains an entry for this variant (Variation ID: 12464). Advanced modeling of protein sequence and biophysical properties (such as structural, functional, and spatial information, amino acid conservation, physicochemical variation, residue mobility, and thermodynamic stability) performed at Invitae indicates that this missense variant is not expected to disrupt TPM2 protein function with a negative predictive value of 80%. Experimental studies have shown that this missense change affects TPM2 function (PMID: 18420702, 22084935, 24039757, 25978979). For these reasons, this variant has been classified as Pathogenic.

OMIM
Classification: Pathogenic for CONGENITAL MYOPATHY 23. Last evaluated: 2007-09-01. Review status: no assertion criteria provided. Collection method: literature only. Allele origin: germline. Not counted in ClinVar's aggregate classification.

TPM2 homepage - Leiden Muscular Dystrophy pages
No classification provided. Review status: no classification provided. Collection method: not provided. Allele origin: germline. Not counted in ClinVar's aggregate classification.

Literature cited by the submitters: PubMed 17846275 (cited by Labcorp Genetics (formerly Invitae), Labcorp and OMIM); PubMed 24692096 (cited by Labcorp Genetics (formerly Invitae), Labcorp); PubMed 18420702 (cited by Labcorp Genetics (formerly Invitae), Labcorp); PubMed 22084935 (cited by Labcorp Genetics (formerly Invitae), Labcorp); PubMed 24039757 (cited by Labcorp Genetics (formerly Invitae), Labcorp); PubMed 25978979 (cited by Labcorp Genetics (formerly Invitae), Labcorp).

NM_003289.4(TPM2):c.121G>A (p.Glu41Lys)

Gene: TPM2 (tropomyosin 2; minus strand). Cytogenetic location: 9p13.3.
Variant type: single nucleotide variant.
Coding change: c.121G>A on transcript NM_003289.4 (MANE Select); coding-DNA position 121, G replaced by A.
Protein change: p.Glu41Lys; replaces glutamic acid 41 with lysine.
Molecular consequence: missense variant.
Genome position (GRCh38, 1-based): chr9:35,689,265, C>T on the plus strand (G>A on the coding strand, the complement: TPM2 is on the minus strand). VCF-style: chr9-35689265-C-T. GRCh37 (hg19) VCF-style: chr9-35689262-C-T.
Other names: c.121G>A, p.Glu41Lys (NM_001301226.2, NM_001301227.2, NM_213674.1); short protein forms E41K.
Identifiers: ClinVar variation 12464 (VCV000012464.10), dbSNP rs137853306, ClinGen allele CA232622.